The following is an entry in ClinVar:

NM_005751.5(AKAP9):c.1538A>G (p.Lys513Arg)

Gene: AKAP9 (A-kinase anchoring protein 9; plus strand). Cytogenetic location: 7q21.2.
Variant type: single nucleotide variant.
Coding change: c.1538A>G on transcript NM_005751.5 (MANE Select); coding-DNA position 1538, A replaced by G.
Protein change: p.Lys513Arg; replaces lysine 513 with arginine.
Molecular consequence: missense variant.
Genome position (GRCh38, 1-based): chr7:92,001,455, A>G. VCF-style: chr7-92001455-A-G. GRCh37 (hg19) VCF-style: chr7-91630769-A-G.
Other names: p.K513R:AAG>AGG; c.1538A>G, p.Lys513Arg (NM_147185.3); short protein forms K513R.
Identifiers: ClinVar variation 190505 (VCV000190505.7), dbSNP rs786205713, ClinGen allele CA300660.

ClinVar aggregate classification (germline): Conflicting classifications of pathogenicity. Review status: criteria provided, conflicting classifications (1 of 4 stars). 3 submissions from 3 submitters: Uncertain significance (2); Likely benign (1). Last evaluated 2025-08-30.

Conditions:
Cardiovascular phenotype. Identifiers: MedGen CN230736.
Long QT syndrome (LQTS). Identifiers: MedGen C0023976, MeSH D008133, MONDO:0002442. Disease mechanism: loss of function. Inheritance: Various modes of inheritance.

Allele frequency attached by ClinVar (database versions not stated): gnomAD exomes 0.00001; gnomAD 0.00003 and 0.00004; TOPMed 0.00013.
gnomAD v4.1: 15 of 1,613,802 alleles (0.00093%); highest among the groups gnomAD compares: Admixed American, 0.012%; no homozygotes.

Submissions (3):

Labcorp Genetics (formerly Invitae), Labcorp
Classification: Uncertain significance for Long QT syndrome. Last evaluated: 2025-08-30. Review status: criteria provided, single submitter. Criteria: Invitae Variant Classification Sherloc (09022015). Collection method: clinical testing. Allele origin: germline.
Comment: This sequence change replaces lysine, which is basic and polar, with arginine, which is basic and polar, at codon 513 of the AKAP9 protein (p.Lys513Arg). This variant is present in population databases (rs786205713, gnomAD 0.006%). This variant has not been reported in the literature in individuals affected with AKAP9-related conditions. ClinVar contains an entry for this variant (Variation ID: 190505). An algorithm developed to predict the effect of missense changes on protein structure and function outputs the following: PolyPhen-2: "Benign". The arginine amino acid residue is found in multiple mammalian species, which suggests that this missense change does not adversely affect protein function. In summary, the available evidence is currently insufficient to determine the role of this variant in disease. Therefore, it has been classified as a Variant of Uncertain Significance.

Ambry Genetics
Classification: Uncertain significance for Cardiovascular phenotype. Last evaluated: 2023-09-20. Review status: criteria provided, single submitter. Criteria: Ambry Variant Classification Scheme 2023. Collection method: clinical testing. Allele origin: germline.

GeneDx
Classification: Likely benign. Last evaluated: 2012-01-16. Review status: criteria provided, single submitter. Criteria: GeneDx Variant Classification (06012015). Collection method: clinical testing. Allele origin: germline. Affected: yes.
Comment: This variant is considered likely benign or benign based on one or more of the following criteria: it is a conservative change, it occurs at a poorly conserved position in the protein, it is predicted to be benign by multiple in silico algorithms, and/or has population frequency not consistent with disease.